The following is an entry in ClinVar:

ClinVar aggregate classification (germline): Conflicting classifications of pathogenicity. Review status: criteria provided, conflicting classifications (1 of 4 stars). 2 submissions from 2 submitters: Uncertain significance (1); Benign (1). Last evaluated 2025-02-06.

Conditions:
POLD1-related polyposis and colorectal cancer syndrome (CRCS10). Also called: COLORECTAL CANCER, SUSCEPTIBILITY TO, ON CHROMOSOME 19q; Colorectal cancer 10; Colorectal cancer, susceptibility to, 10. Identifiers: Orphanet 220460, MedGen C2675481, MONDO:0012953, OMIM 612591.

Submissions (2):

Myriad Genetics, Inc.
Classification: Benign for POLD1-related polyposis and colorectal cancer syndrome. Last evaluated: 2025-02-06. Review status: criteria provided, single submitter. Criteria: Myriad Autosomal Dominant, Autosomal Recessive and X-Linked Classification Criteria (2023). Collection method: clinical testing. Allele origin: unknown.
Comment: This variant is considered benign. This variant is intronic and is not expected to impact mRNA splicing.

GeneDx
Classification: Uncertain significance. Last evaluated: 2023-12-17. Review status: criteria provided, single submitter. Criteria: GeneDx Variant Classification Process June 2021. Collection method: clinical testing. Allele origin: germline.
Comment: Not observed at significant frequency in large population cohorts (gnomAD); Has not been previously published as pathogenic or benign to our knowledge; In silico analysis is inconclusive as to whether the variant alters gene splicing. In the absence of RNA/functional studies, the actual effect of this sequence change is unknown

NM_002691.4(POLD1):c.1384-19_1384-12del

Gene: POLD1 (DNA polymerase delta 1, catalytic subunit; plus strand). Cytogenetic location: 19q13.33.
Variant type: Microsatellite.
Coding change: c.1384-19_1384-12del on transcript NM_002691.4 (MANE Select); 19 bases into the intron before coding-DNA position 1384 through 12 bases into the intron before coding-DNA position 1384, 8 bases deleted (AGCCCACC; older notation c.1384-19_1384-12delAGCCCACC).
Molecular consequence: intron variant.
Genome position (GRCh38, 1-based): chr19:50,406,388-50,406,395, AGCCCACC deleted; deleting any 8 consecutive bases within chr19:50,406,379-50,406,395 gives the same sequence; the c. name uses the placement nearest the transcript's 3' end. VCF-style (leftmost placement, unchanged base first): chr19-50406378-GCAGCCCAC-G. GRCh37 (hg19) VCF-style: chr19-50909635-GCAGCCCAC-G.
Other names: c.1384-19_1384-12del (NM_001256849.1, NM_001308632.1).
Identifiers: ClinVar variation 2499446 (VCV002499446.3), dbSNP rs1568626490, ClinGen allele CA2340885109.